The following is an entry in ClinVar:

NM_025179.4(PLXNA2):c.4555G>A (p.Val1519Met)

Gene: PLXNA2 (plexin A2; minus strand). Cytogenetic location: 1q32.2.
Variant type: single nucleotide variant.
Coding change: c.4555G>A on transcript NM_025179.4 (MANE Select); coding-DNA position 4555, G replaced by A.
Protein change: p.Val1519Met; replaces valine 1519 with methionine.
Molecular consequence: missense variant.
Genome position (GRCh38, 1-based): chr1:208,038,930, C>T on the plus strand (G>A on the coding strand, the complement: PLXNA2 is on the minus strand). VCF-style: chr1-208038930-C-T. GRCh37 (hg19) VCF-style: chr1-208212275-C-T.
Other names: c.4555G>A (NM_025179.3); short protein forms V1519M.
Identifiers: ClinVar variation 2968250 (VCV002968250.4), dbSNP rs761776648, ClinGen allele CA1372840.

ClinVar aggregate classification (germline): Uncertain significance. Review status: criteria provided, multiple submitters, no conflicts (2 of 4 stars). 2 submissions from 2 submitters: Uncertain significance (2). Last evaluated 2025-05-08.

Conditions:
PLXNA2-related disorder. Also called: PLXNA2-related condition.

Allele frequency attached by ClinVar (database versions not stated): gnomAD exomes below 0.00001; gnomAD 0.00001; ExAC 0.00002.
gnomAD v4.1: 8 of 1,613,974 alleles (0.0005%); highest among the groups gnomAD compares: Admixed American, 0.0067%; no homozygotes.

Submissions (2):

PreventionGenetics, part of Exact Sciences
Classification: Uncertain significance for PLXNA2-related condition. Last evaluated: 2025-05-08. Review status: criteria provided, single submitter. Criteria: ACMG Guidelines, 2015. Collection method: clinical testing. Allele origin: germline.
Comment: The PLXNA2 c.4555G>A variant is predicted to result in the amino acid substitution p.Val1519Met. To our knowledge, this variant has not been reported in the literature. This variant is reported in 0.0087% of alleles in individuals of Latino descent in gnomAD. At this time, the clinical significance of this variant is uncertain due to the absence of conclusive functional and genetic evidence.

Labcorp Genetics (formerly Invitae), Labcorp
Classification: Uncertain significance. Last evaluated: 2024-10-17. Review status: criteria provided, single submitter. Criteria: Invitae Variant Classification Sherloc (09022015). Collection method: clinical testing. Allele origin: germline.
Comment: This sequence change replaces valine, which is neutral and non-polar, with methionine, which is neutral and non-polar, at codon 1519 of the PLXNA2 protein (p.Val1519Met). This variant is present in population databases (rs761776648, gnomAD 0.009%). This variant has not been reported in the literature in individuals affected with PLXNA2-related conditions. Invitae Evidence Modeling of protein sequence and biophysical properties (such as structural, functional, and spatial information, amino acid conservation, physicochemical variation, residue mobility, and thermodynamic stability) has been performed for this missense variant. However, the output from this modeling did not meet the statistical confidence thresholds required to predict the impact of this variant on PLXNA2 protein function. In summary, the available evidence is currently insufficient to determine the role of this variant in disease. Therefore, it has been classified as a Variant of Uncertain Significance.